The following is an entry in ClinVar:

NM_006432.5(NPC2):c.3G>A (p.Met1Ile)

Gene: NPC2 (NPC intracellular cholesterol transporter 2; minus strand). Cytogenetic location: 14q24.3.
Variant type: single nucleotide variant.
Coding change: c.3G>A on transcript NM_006432.5 (MANE Select); coding-DNA position 3, G replaced by A.
Protein change: p.Met1Ile; changes the start codon (methionine 1).
Molecular consequence: missense variant, initiator codon variant.
Genome position (GRCh38, 1-based): chr14:74,493,272, C>T on the plus strand (G>A on the coding strand, the complement: NPC2 is on the minus strand). VCF-style: chr14-74493272-C-T. GRCh37 (hg19) VCF-style: chr14-74959975-C-T.
Other names: c.3G>A, p.Met1Ile (NM_001363688.1, NM_001375440.1); short protein forms M1I.
Identifiers: ClinVar variation 557572 (VCV000557572.6), dbSNP rs483352893, ClinGen allele CA390377010.

ClinVar aggregate classification (germline): Pathogenic. Review status: criteria provided, single submitter (1 of 4 stars). 2 submissions from 2 submitters: Pathogenic (1). 1 of the submissions does not count toward it. Last evaluated 2023-10-25.

Conditions:
Niemann-Pick disease, type C2 (NPC2). Identifiers: Orphanet 646, MedGen C1843366, MONDO:0011873, OMIM 607625.

Submissions (2):

Labcorp Genetics (formerly Invitae), Labcorp
Classification: Pathogenic for Niemann-Pick disease, type C2. Last evaluated: 2023-10-25. Review status: criteria provided, single submitter. Criteria: Invitae Variant Classification Sherloc (09022015). Collection method: clinical testing. Allele origin: germline.
Comment: This sequence change affects the initiator methionine of the NPC2 mRNA. The next in-frame methionine is located at codon 79. This variant is not present in population databases (gnomAD no frequency). Disruption of the initiator codon has been observed in individual(s) with Niemann-Pick disease type C (PMID: 19252935, 24915861). In at least one individual the data is consistent with being in trans (on the opposite chromosome) from a pathogenic variant. ClinVar contains an entry for this variant (Variation ID: 557572). This variant disrupts a region of the NPC2 protein in which other variant(s) (p.Cys47Phe) have been observed in individuals with NPC2-related conditions (PMID: 12955717, 15937921, 17470133). This suggests that this is a clinically significant region of the protein, and that variants that disrupt it are likely to be disease-causing. For these reasons, this variant has been classified as Pathogenic.

Counsyl
Classification: Likely pathogenic for Niemann-Pick disease, type C2. Last evaluated: 2018-04-02. Review status: no assertion criteria provided. Collection method: clinical testing. Allele origin: unknown. Not counted in ClinVar's aggregate classification.

Literature cited by the submitters: PubMed 19252935 (cited by Labcorp Genetics (formerly Invitae), Labcorp); PubMed 24915861 (cited by Labcorp Genetics (formerly Invitae), Labcorp); PubMed 12955717 (cited by Labcorp Genetics (formerly Invitae), Labcorp); PubMed 15937921 (cited by Labcorp Genetics (formerly Invitae), Labcorp); PubMed 17470133 (cited by Labcorp Genetics (formerly Invitae), Labcorp).